The following is an entry in ClinVar:

NM_002303.6(LEPR):c.3432A>G (p.Gln1144=)

Gene: LEPR (leptin receptor; plus strand). Cytogenetic location: 1p31.3.
Variant type: single nucleotide variant.
Coding change: c.3432A>G on transcript NM_002303.6 (MANE Select); coding-DNA position 3432, A replaced by G.
Protein change: p.Gln1144=; no amino-acid change (glutamine 1144 retained).
Molecular consequence: synonymous variant.
Genome position (GRCh38, 1-based): chr1:65,636,949, A>G. VCF-style: chr1-65636949-A-G. GRCh37 (hg19) VCF-style: chr1-66102632-A-G.
Identifiers: ClinVar variation 3048579 (VCV003048579.2), dbSNP rs1191434485, ClinGen allele CA418228554.
Genomic context (GRCh38, chr1:65,636,949, plus strand): 5'-AGAAAATAATATCAACTTAGGAACTTCTAGTAAGAAGACTTTTGCATCTTACATGCCTCA[A>G]TTCCAAACTTGTTCTACTCAGACTCATAAGATCATGGAAAACAAGATGTGTGACCTAACT-3'
Protein context (NP_002294.2, residues 1134-1154): SKKTFASYMP[Gln1144=]FQTCSTQTHK

ClinVar aggregate classification (germline): Likely benign (0 of 4 stars; one submission).

Conditions:
LEPR-related disorder. Also called: LEPR-related disorders; LEPR-related condition.

Allele frequency attached by ClinVar (database versions not stated): gnomAD exomes below 0.00001.
gnomAD v4.1: 5 of 1,610,102 alleles (0.00031%); highest among the groups gnomAD compares: Middle Eastern, 0.017%; no homozygotes.

Submission:

PreventionGenetics, part of Exact Sciences
Classification: Likely benign for LEPR-related condition. Last evaluated: 2023-10-25. Review status: no assertion criteria provided. Collection method: clinical testing. Allele origin: germline.
Comment: This variant is classified as likely benign based on ACMG/AMP sequence variant interpretation guidelines (Richards et al. 2015 PMID: 25741868, with internal and published modifications).